The following is an entry in ClinVar:

ClinVar aggregate classification (germline): Likely pathogenic (1 of 4 stars; one submission).

Conditions:
Bilateral frontoparietal polymicrogyria. Also called: CEREBELLAR ATAXIA WITH NEURONAL MIGRATION DEFECT; CORTICAL DYSPLASIA, COMPLEX, WITH OTHER BRAIN MALFORMATIONS 14A (BILATERAL FRONTOPARIETAL). Identifiers: Orphanet 101070, MedGen C1847352, MONDO:0011738, OMIM 606854.

Submission:

Natera, Inc.
Classification: Likely pathogenic for Bilateral frontoparietal polymicrogyria. Last evaluated: 2024-06-26. Review status: criteria provided, single submitter. Criteria: Natera Variant Classification Schema (03/2026). Collection method: clinical testing. Allele origin: germline.
Comment: The c.1356delC variant in ADGRG1 is a frameshift variant predicted to shift the reading frame beginning at codon 453 and leads to a stop codon 16 codons downstream. This variant is expected to result in nonsense mediated decay, truncation, or a dysfunctional protein product. This variant is rare in the general population with a frequency below the threshold expected for the associated phenotype(s). Given the available evidence, this variant is classified as Likely Pathogenic.

NM_201525.4(ADGRG1):c.1338del (p.Val447fs)

Gene: ADGRG1 (adhesion G protein-coupled receptor G1; plus strand). Cytogenetic location: 16q21.
Variant type: Deletion.
Coding change: c.1338del on transcript NM_201525.4 (MANE Select); coding-DNA position 1338, one base deleted (C; older notation c.1338delC).
Protein change: p.Val447fs; shifts the reading frame from valine 447.
Molecular consequence: frameshift variant.
Genome position (GRCh38, 1-based): chr16:57,659,464, C deleted; the last of 2 consecutive C bases (chr16:57,659,463-57,659,464); deleting either gives the same sequence. VCF-style (leftmost placement, unchanged base first): chr16-57659462-GC-G. GRCh37 (hg19) VCF-style: chr16-57693374-GC-G.
Other names: c.1338del, p.Val447fs (NM_001145770.3, NM_001145772.3, NM_001145774.3 and 7 more transcripts); c.1356del, p.Val453fs (NM_001145771.3, NM_001370428.1, NM_001370429.1 and 4 more transcripts); c.1353del, p.Val452fs (NM_001145773.3, NM_001370433.1, NM_001370434.1); c.846del, p.Val283fs (NM_001290142.2); c.831del, p.Val278fs (NM_001290143.2); c.813del, p.Val272fs (NM_001290144.2, NM_001370451.1, NM_001370453.1 and 1 more transcripts); c.1335del, p.Val446fs (NM_001370441.1); c.1182del, p.Val395fs (NM_001370442.1); short protein forms V272fs, V278fs, V283fs, V395fs, V446fs, V447fs, V452fs, V453fs.
Identifiers: ClinVar variation 4815447 (VCV004815447.1).
Genomic context (GRCh38, chr16:57,659,462, plus strand): 5'-CTGCCGTGCAGGAGGAAACCTCGGGACTACACCATCAAGGTGCACATGAACCTGCTGCTG[GC>G]CGTCTTCCTGCTGGACACGAGCTTCCTGCTCAGCGAGCCGGTGGCCCTGACAGGCTCTGA-3'